The following is an entry in ClinVar:

ClinVar aggregate classification (germline): Uncertain significance (1 of 4 stars; one submission).

Submission:

GeneDx
Classification: Uncertain significance. Last evaluated: 2025-08-02. Review status: criteria provided, single submitter. Criteria: GeneDx Variant Classification Process June 2021. Collection method: clinical testing. Allele origin: germline. Affected: yes.
Comment: Not observed at significant frequency in large population cohorts (gnomAD); In silico analysis suggests that this missense variant does not alter protein structure/function; Has not been previously published as pathogenic or benign to our knowledge

NM_182476.3(COQ6):c.1330C>A (p.Leu444Ile)

Genes: COQ6 (coenzyme Q6, monooxygenase; plus strand), ENTPD5 (ectonucleoside triphosphate diphosphohydrolase 5; minus strand). Cytogenetic location: 14q24.3.
Variant type: single nucleotide variant.
Coding change: c.1330C>A on transcript NM_182476.3 (MANE Select); coding-DNA position 1330, C replaced by A.
Protein change: p.Leu444Ile; replaces leucine 444 with isoleucine.
Molecular consequence: missense variant. On other transcripts: intron variant (7).
Genome position (GRCh38, 1-based): chr14:73,961,856, C>A. VCF-style: chr14-73961856-C-A. GRCh37 (hg19) VCF-style: chr14-74428559-C-A.
Other names: c.1222C>A, p.Leu408Ile (NM_001425256.1); c.1165C>A, p.Leu389Ile (NM_001425257.1); c.1147C>A, p.Leu383Ile (NM_001425258.1); c.1105C>A, p.Leu369Ile (NM_001425259.1, NM_001425260.1, NM_001425261.1); c.1075C>A, p.Leu359Ile (NM_001425262.1); c.1003C>A, p.Leu335Ile (NM_001425263.1); c.790C>A, p.Leu264Ile (NM_001425264.1, NM_001425265.1); c.1255C>A, p.Leu419Ile (NM_182480.3); and 5 more; short protein forms L264I, L335I, L359I, L369I, L383I, L389I, L408I, L419I.
Identifiers: ClinVar variation 4755880 (VCV004755880.1).